The following is an entry in ClinVar:

NM_001232.4(CASQ2):c.320-176T>C

Gene: CASQ2 (calsequestrin 2; minus strand). Cytogenetic location: 1p13.1.
Variant type: single nucleotide variant.
Coding change: c.320-176T>C on transcript NM_001232.4 (MANE Select); 176 bases into the intron before coding-DNA position 320, T replaced by C.
Molecular consequence: intron variant.
Genome position (GRCh38, 1-based): chr1:115,741,004, A>G on the plus strand (T>C on the coding strand, the complement: CASQ2 is on the minus strand). VCF-style: chr1-115741004-A-G. GRCh37 (hg19) VCF-style: chr1-116283625-A-G.
Identifiers: ClinVar variation 672064 (VCV000672064.1), dbSNP rs7551613, ClinGen allele CA29606447.

ClinVar aggregate classification (germline): Benign (1 of 4 stars; one submission).

Allele frequency attached by ClinVar (database versions not stated): gnomAD 0.71134; 1000 Genomes Project 30x 0.64085; 1000 Genomes Project 0.64337; TOPMed 0.69461.

Submission:

GeneDx
Classification: Benign. Last evaluated: 2018-06-18. Review status: criteria provided, single submitter. Criteria: GeneDx Variant Classification (06012015). Collection method: clinical testing. Allele origin: germline. Affected: yes.
Comment: This variant is considered likely benign or benign based on one or more of the following criteria: it is a conservative change, it occurs at a poorly conserved position in the protein, it is predicted to be benign by multiple in silico algorithms, and/or has population frequency not consistent with disease.